The following is an entry in ClinVar:

ClinVar aggregate classification (germline): Uncertain significance (1 of 4 stars; one submission).

Submission:

GeneDx
Classification: Uncertain significance. Last evaluated: 2025-06-17. Review status: criteria provided, single submitter. Criteria: GeneDx Variant Classification Process June 2021. Collection method: clinical testing. Allele origin: germline. Affected: yes.
Comment: Not observed at significant frequency in large population cohorts (gnomAD); Nonsense variant predicted to result in protein truncation as the last 149 amino acids are lost; Has not been previously published as pathogenic or benign to our knowledge

NM_003107.3(SOX4):c.976G>T (p.Glu326Ter)

Gene: SOX4 (SRY-box transcription factor 4; plus strand). Cytogenetic location: 6p22.3.
Variant type: single nucleotide variant.
Coding change: c.976G>T on transcript NM_003107.3 (MANE Select); coding-DNA position 976, G replaced by T.
Protein change: p.Glu326Ter; replaces glutamic acid 326 with a stop codon.
Molecular consequence: nonsense.
Genome position (GRCh38, 1-based): chr6:21,595,510, G>T. VCF-style: chr6-21595510-G-T. GRCh37 (hg19) VCF-style: chr6-21595741-G-T.
Other names: short protein forms E326*.
Identifiers: ClinVar variation 4538732 (VCV004538732.1).